The following is an entry in ClinVar:

ClinVar aggregate classification (germline): Uncertain significance. Review status: criteria provided, multiple submitters, no conflicts (2 of 4 stars). 3 submissions from 3 submitters: Uncertain significance (3). Last evaluated 2024-10-01.

Allele frequency attached by ClinVar (database versions not stated): gnomAD 0.00001; ExAC 0.00002; gnomAD exomes 0.00002; TOPMed 0.00002.
gnomAD v4.1: 9 of 1,552,380 alleles (0.00058%); highest among the groups gnomAD compares: Admixed American, 0.0036%; no homozygotes.

Submissions (3):

Ambry Genetics
Classification: Uncertain significance. Last evaluated: 2024-10-01. Review status: criteria provided, single submitter. Criteria: Ambry Variant Classification Scheme 2023. Collection method: clinical testing. Allele origin: germline.

Labcorp Genetics (formerly Invitae), Labcorp
Classification: Uncertain significance. Last evaluated: 2023-10-13. Review status: criteria provided, single submitter. Criteria: Invitae Variant Classification Sherloc (09022015). Collection method: clinical testing. Allele origin: germline.
Comment: This sequence change replaces serine, which is neutral and polar, with tryptophan, which is neutral and slightly polar, at codon 2 of the MCM4 protein (p.Ser2Trp). This variant is present in population databases (rs749871553, gnomAD 0.007%). This variant has not been reported in the literature in individuals affected with MCM4-related conditions. ClinVar contains an entry for this variant (Variation ID: 376841). Experimental studies and prediction algorithms are not available or were not evaluated, and the functional significance of this variant is currently unknown. In summary, the available evidence is currently insufficient to determine the role of this variant in disease. Therefore, it has been classified as a Variant of Uncertain Significance.

Center for Pediatric Genomic Medicine, Children's Mercy Hospital and Clinics
Classification: Uncertain significance. Last evaluated: 2016-07-12. Review status: criteria provided, single submitter. Criteria: ACMG Guidelines, 2015. Collection method: clinical testing. Allele origin: germline.
ClinVar note: Converted during submission from Uncertain Significance to Uncertain significance.

NM_182746.3(MCM4):c.5C>G (p.Ser2Trp)

Genes: MCM4 (minichromosome maintenance complex component 4; plus strand), LOC130000338 (ATAC-STARR-seq lymphoblastoid silent region 19178; plus strand). Cytogenetic location: 8q11.21.
Variant type: single nucleotide variant.
Coding change: c.5C>G on transcript NM_182746.3 (MANE Select); coding-DNA position 5, C replaced by G.
Protein change: p.Ser2Trp; replaces serine 2 with tryptophan.
Molecular consequence: missense variant.
Genome position (GRCh38, 1-based): chr8:47,961,149, C>G. VCF-style: chr8-47961149-C-G. GRCh37 (hg19) VCF-style: chr8-48873709-C-G.
Other names: c.5C>G, p.Ser2Trp (LRG_1239t1, NM_005914.4); c.5C>G (NM_005914.3); short protein forms S2W.
Identifiers: ClinVar variation 376841 (VCV000376841.10), dbSNP rs749871553, ClinGen allele CA4742140.